The following is an entry in ClinVar:

ClinVar aggregate classification (germline): Likely pathogenic (1 of 4 stars; one submission).

Submission:

Labcorp Genetics (formerly Invitae), Labcorp
Classification: Likely pathogenic. Last evaluated: 2023-12-11. Review status: criteria provided, single submitter. Criteria: Invitae Variant Classification Sherloc (09022015). Collection method: clinical testing. Allele origin: germline.
Comment: This sequence change affects an acceptor splice site in intron 25 of the COL4A4 gene. It is expected to disrupt RNA splicing. Variants that disrupt the donor or acceptor splice site typically lead to a loss of protein function (PMID: 16199547), and loss-of-function variants in COL4A4 are known to be pathogenic (PMID: 21196518, 24854265, 25307543). This variant is not present in population databases (gnomAD no frequency). This variant has not been reported in the literature in individuals affected with COL4A4-related conditions. ClinVar contains an entry for this variant (Variation ID: 660948). Algorithms developed to predict the effect of sequence changes on RNA splicing suggest that this variant may disrupt the consensus splice site. In summary, the currently available evidence indicates that the variant is pathogenic, but additional data are needed to prove that conclusively. Therefore, this variant has been classified as Likely Pathogenic.

Literature cited by the submitters: PubMed 16199547; PubMed 21196518; PubMed 24854265; PubMed 25307543.

NM_000092.5(COL4A4):c.1988-2A>T

Gene: COL4A4 (collagen type IV alpha 4 chain; minus strand). Cytogenetic location: 2q36.3.
Variant type: single nucleotide variant.
Coding change: c.1988-2A>T on transcript NM_000092.5 (MANE Select); the canonical splice acceptor site of the intron before coding-DNA position 1988, A replaced by T.
Molecular consequence: splice acceptor variant.
Genome position (GRCh38, 1-based): chr2:227,062,600, T>A on the plus strand (A>T on the coding strand, the complement: COL4A4 is on the minus strand). VCF-style: chr2-227062600-T-A. GRCh37 (hg19) VCF-style: chr2-227927316-T-A.
Identifiers: ClinVar variation 660948 (VCV000660948.7), dbSNP rs1576238292, ClinGen allele CA350842634.